The following is an entry in ClinVar:

NM_001044385.3(TMEM237):c.1027G>A (p.Gly343Ser)

Gene: TMEM237 (transmembrane protein 237; minus strand). Cytogenetic location: 2q33.1.
Variant type: single nucleotide variant.
Coding change: c.1027G>A on transcript NM_001044385.3 (MANE Select); coding-DNA position 1027, G replaced by A.
Protein change: p.Gly343Ser; replaces glycine 343 with serine.
Molecular consequence: missense variant.
Genome position (GRCh38, 1-based): chr2:201,627,331, C>T on the plus strand (G>A on the coding strand, the complement: TMEM237 is on the minus strand). VCF-style: chr2-201627331-C-T. GRCh37 (hg19) VCF-style: chr2-202492054-C-T.
Other names: c.1003G>A, p.Gly335Ser (NM_152388.4); short protein forms G343S, G335S.
Identifiers: ClinVar variation 2116045 (VCV002116045.4), dbSNP rs2469489169, ClinGen allele CA350306060.

ClinVar aggregate classification (germline): Uncertain significance (1 of 4 stars; one submission).

Conditions:
Joubert syndrome 14 (JBTS14). Identifiers: MedGen C3280766, MONDO:0013745, OMIM 614424.

Submission:

Labcorp Genetics (formerly Invitae), Labcorp
Classification: Uncertain significance for Joubert syndrome 14. Last evaluated: 2022-03-23. Review status: criteria provided, single submitter. Criteria: Invitae Variant Classification Sherloc (09022015). Collection method: clinical testing. Allele origin: germline.
Comment: This sequence change replaces glycine, which is neutral and non-polar, with serine, which is neutral and polar, at codon 343 of the TMEM237 protein (p.Gly343Ser). This variant is not present in population databases (gnomAD no frequency). This variant has not been reported in the literature in individuals affected with TMEM237-related conditions. Algorithms developed to predict the effect of missense changes on protein structure and function output the following: SIFT: "Deleterious"; PolyPhen-2: "Benign"; Align-GVGD: "Class C0". The serine amino acid residue is found in multiple mammalian species, which suggests that this missense change does not adversely affect protein function. In summary, the available evidence is currently insufficient to determine the role of this variant in disease. Therefore, it has been classified as a Variant of Uncertain Significance.